The following is an entry in ClinVar:

NM_033380.3(COL4A5):c.2962G>T (p.Gly988Ter)

Gene: COL4A5 (collagen type IV alpha 5 chain; plus strand). Cytogenetic location: Xq22.3.
Variant type: single nucleotide variant.
Coding change: c.2962G>T on transcript NM_033380.3 (MANE Select); coding-DNA position 2962, G replaced by T.
Protein change: p.Gly988Ter; replaces glycine 988 with a stop codon.
Molecular consequence: nonsense.
Genome position (GRCh38, 1-based): chrX:108,624,280, G>T. VCF-style: chrX-108624280-G-T. GRCh37 (hg19) VCF-style: chrX-107867510-G-T.
Other names: c.2962G>T, p.Gly988Ter (NM_000495.5); short protein forms G988*.
Identifiers: ClinVar variation 2026325 (VCV002026325.5), dbSNP rs2524414327, ClinGen allele CA413853363.

ClinVar aggregate classification (germline): Pathogenic/Likely pathogenic. Review status: criteria provided, multiple submitters, no conflicts (2 of 4 stars). 2 submissions from 2 submitters: Pathogenic (1); Likely pathogenic (1). Last evaluated 2024-02-27.

Conditions:
X-linked Alport syndrome (ATS1). Also called: COL4A5-Related Nephropathy; NEPHROPATHY AND DEAFNESS, X-LINKED. Identifiers: Orphanet 63, Orphanet 88917, MedGen C4746986, MONDO:0010520, OMIM 301050.

Submissions (2):

Fulgent Genetics
Classification: Likely pathogenic for X-linked Alport syndrome. Last evaluated: 2024-02-27. Review status: criteria provided, single submitter. Criteria: ACMG Guidelines, 2015. Collection method: clinical testing. Allele origin: germline.

Labcorp Genetics (formerly Invitae), Labcorp
Classification: Pathogenic. Last evaluated: 2022-08-22. Review status: criteria provided, single submitter. Criteria: Invitae Variant Classification Sherloc (09022015). Collection method: clinical testing. Allele origin: germline.
Comment: For these reasons, this variant has been classified as Pathogenic. This variant has not been reported in the literature in individuals affected with COL4A5-related conditions. This variant is not present in population databases (gnomAD no frequency). This sequence change creates a premature translational stop signal (p.Gly988*) in the COL4A5 gene. It is expected to result in an absent or disrupted protein product. Loss-of-function variants in COL4A5 are known to be pathogenic (PMID: 9195222, 10752524, 14514738, 24854265, 26809805).

Literature cited by the submitters: PubMed 9195222 (cited by Labcorp Genetics (formerly Invitae), Labcorp); PubMed 10752524 (cited by Labcorp Genetics (formerly Invitae), Labcorp); PubMed 14514738 (cited by Labcorp Genetics (formerly Invitae), Labcorp); PubMed 24854265 (cited by Labcorp Genetics (formerly Invitae), Labcorp); PubMed 26809805 (cited by Labcorp Genetics (formerly Invitae), Labcorp).